The following is an entry in ClinVar:

ClinVar aggregate classification (germline): Benign/Likely benign. Review status: criteria provided, multiple submitters, no conflicts (2 of 4 stars). 6 submissions from 6 submitters: Benign (3); Likely benign (3). Last evaluated 2026-02-04.

Conditions:
Fanconi anemia (FA). Also called: Fanconi's anemia. Identifiers: Orphanet 84, MedGen C0015625, MeSH D005199, MONDO:0019391.

Allele frequency attached by ClinVar (database versions not stated): 1000 Genomes Project 30x 0.00578; 1000 Genomes Project 0.00659; TOPMed 0.01005; ExAC 0.01055; gnomAD exomes 0.01060 and 0.01622; gnomAD 0.01061 and 0.01090; ESP Exome Variant Server 0.01330.
gnomAD v4.1: 25,279 of 1,613,416 alleles (1.6%); highest among the groups gnomAD compares: Non-Finnish European, 1.9%; 265 homozygotes.

Submissions (6):

Labcorp Genetics (formerly Invitae), Labcorp
Classification: Benign for Fanconi anemia. Last evaluated: 2026-02-04. Review status: criteria provided, single submitter. Criteria: Invitae Variant Classification Sherloc (09022015). Collection method: clinical testing. Allele origin: germline.

Quest Diagnostics Nichols Institute San Juan Capistrano
Classification: Benign. Last evaluated: 2025-05-21. Review status: criteria provided, single submitter. Criteria: Quest Diagnostics criteria. Collection method: clinical testing. Allele origin: unknown.

Blueprint Genetics
Classification: Likely benign. Last evaluated: 2024-11-27. Review status: criteria provided, single submitter. Criteria: ACMG Guidelines, 2015. Collection method: clinical testing. Allele origin: germline.

GeneDx
Classification: Likely benign. Last evaluated: 2021-03-01. Review status: criteria provided, single submitter. Criteria: GeneDx Variant Classification Process June 2021. Collection method: clinical testing. Allele origin: germline. Affected: yes.
Comment: This variant is associated with the following publications: (PMID: 29351780)

Breakthrough Genomics
Classification: Likely benign. Review status: criteria provided, single submitter. Criteria: ACMG Guidelines, 2015. Collection method: not provided. Allele origin: germline. Inheritance: Autosomal recessive inheritance. Affected: yes.

PreventionGenetics, part of Exact Sciences
Classification: Benign. Review status: criteria provided, single submitter. Criteria: ACMG Guidelines, 2015. Collection method: clinical testing. Allele origin: germline.

Literature cited by the submitters: PubMed 29351780 (cited by Quest Diagnostics Nichols Institute San Juan Capistrano); PubMed 32906206 (cited by Quest Diagnostics Nichols Institute San Juan Capistrano).

NM_020937.4(FANCM):c.1964A>G (p.Asn655Ser)

Gene: FANCM (FA complementation group M; plus strand). Cytogenetic location: 14q21.2.
Variant type: single nucleotide variant.
Coding change: c.1964A>G on transcript NM_020937.4 (MANE Select); coding-DNA position 1964, A replaced by G.
Protein change: p.Asn655Ser; replaces asparagine 655 with serine.
Molecular consequence: missense variant.
Genome position (GRCh38, 1-based): chr14:45,167,125, A>G. VCF-style: chr14-45167125-A-G. GRCh37 (hg19) VCF-style: chr14-45636328-A-G.
Other names: c.1886A>G, p.Asn629Ser (NM_001308133.2); c.1964A>G, p.Asn655Ser (NM_001308134.2); short protein forms N655S, N629S.
Identifiers: ClinVar variation 241315 (VCV000241315.20), dbSNP rs61753893, ClinGen allele CA7169193.